The following is an entry in ClinVar:

NM_004341.5(CAD):c.140C>T (p.Ala47Val)

Gene: CAD (carbamoyl-phosphate synthetase 2, aspartate transcarbamylase, and dihydroorotase; plus strand). Cytogenetic location: 2p23.3.
Variant type: single nucleotide variant.
Coding change: c.140C>T on transcript NM_004341.5 (MANE Select); coding-DNA position 140, C replaced by T.
Protein change: p.Ala47Val; replaces alanine 47 with valine.
Molecular consequence: missense variant.
Genome position (GRCh38, 1-based): chr2:27,217,934, C>T. VCF-style: chr2-27217934-C-T. GRCh37 (hg19) VCF-style: chr2-27440802-C-T.
Other names: c.140C>T, p.Ala47Val (NM_001306079.2); short protein forms A47V.
Identifiers: ClinVar variation 2128492 (VCV002128492.4), dbSNP rs2465272713, ClinGen allele CA346196208.

ClinVar aggregate classification (germline): Uncertain significance (1 of 4 stars; one submission).

Allele frequency attached by ClinVar (database versions not stated): gnomAD exomes below 0.00001.
gnomAD v4.1: 1 of 1,613,416 alleles (0.000062%); highest among the groups gnomAD compares: East Asian, 0.0022%; no homozygotes.

Submission:

Labcorp Genetics (formerly Invitae), Labcorp
Classification: Uncertain significance. Last evaluated: 2022-04-20. Review status: criteria provided, single submitter. Criteria: Invitae Variant Classification Sherloc (09022015). Collection method: clinical testing. Allele origin: germline.
Comment: In summary, the available evidence is currently insufficient to determine the role of this variant in disease. Therefore, it has been classified as a Variant of Uncertain Significance. Algorithms developed to predict the effect of sequence changes on RNA splicing suggest that this variant may create or strengthen a splice site. Algorithms developed to predict the effect of missense changes on protein structure and function are either unavailable or do not agree on the potential impact of this missense change (SIFT: "Tolerated"; PolyPhen-2: "Possibly Damaging"; Align-GVGD: "Class C0"). This variant has not been reported in the literature in individuals affected with CAD-related conditions. This variant is not present in population databases (gnomAD no frequency). This sequence change replaces alanine, which is neutral and non-polar, with valine, which is neutral and non-polar, at codon 47 of the CAD protein (p.Ala47Val).